The following is an entry in ClinVar:

ClinVar aggregate classification (germline): Pathogenic/Likely pathogenic. Review status: criteria provided, multiple submitters, no conflicts (2 of 4 stars). 2 submissions from 2 submitters: Pathogenic (1); Likely pathogenic (1). Last evaluated 2024-01-09.

Conditions:
Cardiovascular phenotype. Identifiers: MedGen CN230736.
Dilated cardiomyopathy 1G (CMD1G). Identifiers: Orphanet 154, MedGen C1858763, MONDO:0011400, OMIM 604145.
Autosomal recessive limb-girdle muscular dystrophy type 2J (LGMDR10). Also called: Limb-girdle muscular dystrophy, type 2J; MUSCULAR DYSTROPHY, LIMB-GIRDLE, AUTOSOMAL RECESSIVE 10. Identifiers: Orphanet 140922, MedGen C1837342, MONDO:0012127, OMIM 608807.

Submissions (2):

Labcorp Genetics (formerly Invitae), Labcorp
Classification: Likely pathogenic for Dilated cardiomyopathy 1G; Autosomal recessive limb-girdle muscular dystrophy type 2J. Last evaluated: 2024-01-09. Review status: criteria provided, single submitter. Criteria: Invitae Variant Classification Sherloc (09022015). Collection method: clinical testing. Allele origin: germline.
Comment: This sequence change creates a premature translational stop signal (p.Cys19373Leufs*10) in the TTN gene. While this is not anticipated to result in nonsense mediated decay, it is expected to create a truncated TTN protein. This variant is not present in population databases (gnomAD no frequency). This premature translational stop signal has been observed in individual(s) with atrial fibrillation and/or dilated cardiomyopathy (PMID: 30333491, 33106378; Invitae). This variant is also known as 2:179459103C>CA. ClinVar contains an entry for this variant (Variation ID: 1916230). This variant is located in the A band of TTN (PMID: 25589632). Truncating variants in this region are significantly overrepresented in patients affected with dilated cardiomyopathy (PMID: 25589632). Truncating variants in this region have also been reported in individuals affected with autosomal recessive centronuclear myopathy (PMID: 23975875). In summary, the currently available evidence indicates that the variant is pathogenic, but additional data are needed to prove that conclusively. Therefore, this variant has been classified as Likely Pathogenic.

Ambry Genetics
Classification: Pathogenic for Cardiovascular phenotype. Last evaluated: 2023-04-17. Review status: criteria provided, single submitter. Criteria: Ambry Variant Classification Scheme 2023. Collection method: clinical testing. Allele origin: germline.
Comment: The c.30922dupT pathogenic mutation, located in coding exon 123 of the TTN gene, results from a duplication of T at nucleotide position 30922, causing a translational frameshift with a predicted alternate stop codon (p.C10308Lfs*10). This exon is located in the A-band region of the N2-B isoform of the titin protein and is constitutively expressed in TTN transcripts (percent spliced in or PSI 100%). This variant (also referred to as 2:179459103C>CA and c.58117dupT, p.Cys19373Leufs*10) has been detected in a lone atrial fibrillation cohort, and in three individuals from a dilated cardiomyopathy cohort (Ahlberg G et al. Nat Commun, 2018 Oct;9:4316; Vissing CR et al. J Med Genet, 2021 Dec;58:832-841). This variant is considered to be rare based on population cohorts in the Genome Aggregation Database (gnomAD). This alteration is expected to result in loss of function by premature protein truncation or nonsense-mediated mRNA decay. While truncating variants in TTN are present in 1-3% of the general population, truncating variants in the A-band are the most common cause of dilated cardiomyopathy (DCM) (Herman DS et al. N. Engl. J. Med., 2012 Feb;366:619-28; Roberts AM et al. Sci Transl Med, 2015 Jan;7:270ra6). TTN truncating variants encoded in constitutive exons (PSI >90%) have been found to be significantly associated with DCM regardless of their position in titin (Schafer S et al. Nat. Genet., 2017 01;49:46-53). Based on the supporting evidence, this alteration is interpreted as a disease-causing mutation.

Literature cited by the submitters: PubMed 30333491 (cited by Labcorp Genetics (formerly Invitae), Labcorp and Ambry Genetics); PubMed 33106378 (cited by Labcorp Genetics (formerly Invitae), Labcorp and Ambry Genetics); PubMed 25589632 (cited by Labcorp Genetics (formerly Invitae), Labcorp); PubMed 23975875 (cited by Labcorp Genetics (formerly Invitae), Labcorp).

NM_001267550.2(TTN):c.58117dup (p.Cys19373fs)

Genes: TTN (titin; minus strand), TTN-AS1 (TTN antisense RNA 1; plus strand). Cytogenetic location: 2q31.2.
Variant type: Duplication.
Coding change: c.58117dup on transcript NM_001267550.2 (MANE Select); coding-DNA position 58117, one base duplicated (T; older notation c.58117dupT).
Protein change: p.Cys19373fs; shifts the reading frame from cysteine 19373.
Molecular consequence: frameshift variant.
Genome position (GRCh38, 1-based): chr2:178,594,377, A duplicated on the plus strand (T on the coding strand, the reverse complement: TTN is on the minus strand); the first of 4 consecutive A bases (chr2:178,594,377-178,594,380); duplicating any one gives the same sequence. VCF-style (leftmost placement, unchanged base first): chr2-178594376-C-CA. GRCh37 (hg19) VCF-style: chr2-179459103-C-CA.
Other names: c.30922dupT (NM_003319.4); c.53194dup, p.Cys17732fs (NM_001256850.1); c.30922dup, p.Cys10308fs (NM_003319.4); c.50413dup, p.Cys16805fs (NM_133378.4); c.31297dup, p.Cys10433fs (NM_133432.3); c.31498dup, p.Cys10500fs (NM_133437.4); short protein forms C10433fs, C10500fs, C10308fs, C16805fs, C17732fs, C19373fs.
Identifiers: ClinVar variation 1916230 (VCV001916230.7), dbSNP rs2469628915, ClinGen allele CA2580064718.